The following is an entry in ClinVar:

NM_001903.5(CTNNA1):c.2644A>G (p.Ile882Val)

Gene: CTNNA1 (catenin alpha 1; plus strand). Cytogenetic location: 5q31.2.
Variant type: single nucleotide variant.
Coding change: c.2644A>G on transcript NM_001903.5 (MANE Select); coding-DNA position 2644, A replaced by G.
Protein change: p.Ile882Val; replaces isoleucine 882 with valine.
Molecular consequence: missense variant. On other transcripts: 3 prime UTR variant (5).
Genome position (GRCh38, 1-based): chr5:138,934,012, A>G. VCF-style: chr5-138934012-A-G. GRCh37 (hg19) VCF-style: chr5-138269701-A-G.
Other names: c.*189A>G (NM_001290307.3, NM_001324002.1, NM_001324003.1 and 2 more transcripts); c.2335A>G, p.Ile779Val (NM_001290309.3); c.2275A>G, p.Ile759Val (NM_001290310.3); c.1534A>G, p.Ile512Val (NM_001290312.1, NM_001323987.1, NM_001323988.1 and 12 more transcripts); c.2644A>G, p.Ile882Val (NM_001323982.2, NM_001323983.1, NM_001323984.2); c.2617A>G, p.Ile873Val (NM_001323985.2); c.2551A>G, p.Ile851Val (NM_001323986.2); c.1399A>G, p.Ile467Val (NM_001324001.1); and 3 more; short protein forms I399V, I779V, I882V, I481V, I512V, I431V, I467V, I851V.
Identifiers: ClinVar variation 2054811 (VCV002054811.4), dbSNP rs2533956060, ClinGen allele CA361135677.

ClinVar aggregate classification (germline): Uncertain significance (1 of 4 stars; one submission).

Submission:

Labcorp Genetics (formerly Invitae), Labcorp
Classification: Uncertain significance. Last evaluated: 2021-12-23. Review status: criteria provided, single submitter. Criteria: Invitae Variant Classification Sherloc (09022015). Collection method: clinical testing. Allele origin: germline.
Comment: In summary, the available evidence is currently insufficient to determine the role of this variant in disease. Therefore, it has been classified as a Variant of Uncertain Significance. Algorithms developed to predict the effect of sequence changes on RNA splicing suggest that this variant may create or strengthen a splice site. Algorithms developed to predict the effect of missense changes on protein structure and function are either unavailable or do not agree on the potential impact of this missense change (SIFT: "Deleterious"; PolyPhen-2: "Benign"; Align-GVGD: "Class C0"). This variant has not been reported in the literature in individuals affected with CTNNA1-related conditions. This variant is not present in population databases (gnomAD no frequency). This sequence change replaces isoleucine, which is neutral and non-polar, with valine, which is neutral and non-polar, at codon 882 of the CTNNA1 protein (p.Ile882Val).